The following is an entry in ClinVar:

NM_014362.4(HIBCH):c.892G>A (p.Val298Ile)

Gene: HIBCH (3-hydroxyisobutyryl-CoA hydrolase; minus strand). Cytogenetic location: 2q32.2.
Variant type: single nucleotide variant.
Coding change: c.892G>A on transcript NM_014362.4 (MANE Select); coding-DNA position 892, G replaced by A.
Protein change: p.Val298Ile; replaces valine 298 with isoleucine.
Molecular consequence: missense variant.
Genome position (GRCh38, 1-based): chr2:190,213,075, C>T on the plus strand (G>A on the coding strand, the complement: HIBCH is on the minus strand). VCF-style: chr2-190213075-C-T. GRCh37 (hg19) VCF-style: chr2-191077801-C-T.
Other names: c.892G>A, p.Val298Ile (NM_198047.3); short protein forms V298I.
Identifiers: ClinVar variation 2413095 (VCV002413095.2), dbSNP rs1330753702, ClinGen allele CA349894440.

ClinVar aggregate classification (germline): Uncertain significance (1 of 4 stars; one submission).

Allele frequency attached by ClinVar (database versions not stated): gnomAD exomes below 0.00001.
gnomAD v4.1: 2 of 1,604,204 alleles (0.00012%); highest among the groups gnomAD compares: Admixed American, 0.0017%; no homozygotes.

Submission:

GeneDx
Classification: Uncertain significance. Last evaluated: 2022-07-21. Review status: criteria provided, single submitter. Criteria: GeneDx Variant Classification Process June 2021. Collection method: clinical testing. Allele origin: germline. Affected: yes.
Comment: Not observed at significant frequency in large population cohorts (gnomAD); In silico analysis suggests that this missense variant does not alter protein structure/function, but splice predictors indicate that the variant may lead to abnormal gene splicing; Has not been previously published as pathogenic or benign to our knowledge